The following is an entry in ClinVar:

NM_178138.6(LHX3):c.929G>C (p.Arg310Pro)

Gene: LHX3 (LIM homeobox 3; minus strand). Cytogenetic location: 9q34.3.
Variant type: single nucleotide variant.
Coding change: c.929G>C on transcript NM_178138.6 (MANE Select); coding-DNA position 929, G replaced by C.
Protein change: p.Arg310Pro; replaces arginine 310 with proline.
Molecular consequence: missense variant.
Genome position (GRCh38, 1-based): chr9:136,197,590, C>G on the plus strand (G>C on the coding strand, the complement: LHX3 is on the minus strand). VCF-style: chr9-136197590-C-G. GRCh37 (hg19) VCF-style: chr9-139089436-C-G.
Other names: c.944G>C (NM_014564.4); c.896G>C, p.Arg299Pro (NM_001363746.1); c.944G>C, p.Arg315Pro (NM_014564.5); short protein forms R310P, R315P, R299P.
Identifiers: ClinVar variation 198211 (VCV000198211.20), dbSNP rs201591640, ClinGen allele CA246743.
Genomic context (GRCh38, chr9:136,197,590, plus strand): 5'-GGGCCAGGGAGGCTCTGCGGGGCGGCGGGGGATGGGGGGACACCGTAGGGGCTGCCGGGA[C>G]GCAGCTCTCGGTACTGCTCTGGGCCTGCCAGGCCTCCATGCTCCAGGGAGAAGTTGCCCA-3'
Protein context (NP_835258.1, residues 300-320): LAGPEQYREL[Arg310Pro]PGSPYGVPPS

ClinVar aggregate classification (germline): Conflicting classifications of pathogenicity. Review status: criteria provided, conflicting classifications (1 of 4 stars). 10 submissions from 10 submitters: Uncertain significance (5); Likely benign (2). 3 of the submissions do not count toward it. Last evaluated 2024-11-11.

Conditions:
Inborn genetic diseases. Identifiers: MedGen C0950123, MeSH D030342.
Non-acquired combined pituitary hormone deficiency with spine abnormalities (CPHD3). Also called: Combined pituitary hormone deficiency type 3; Winkelman Bethge Pfeiffer syndrome; WBP syndrome. Identifiers: Orphanet 231720, MedGen C3489787, MONDO:0009091, OMIM 221750.

Allele frequency attached by ClinVar (database versions not stated): gnomAD 0.00068 and 0.00070; gnomAD exomes 0.00070; TOPMed 0.00080; ExAC 0.00087.
gnomAD v4.1: 1,424 of 1,540,328 alleles (0.092%); highest among the groups gnomAD compares: Admixed American, 0.13%; 2 homozygotes.

Submissions (10):

Blueprint Genetics
Classification: Likely benign. Last evaluated: 2024-11-11. Review status: criteria provided, single submitter. Criteria: ACMG Guidelines, 2015. Collection method: clinical testing. Allele origin: germline.

Women's Health and Genetics/Laboratory Corporation of America, LabCorp
Classification: Uncertain significance. Last evaluated: 2024-09-30. Review status: criteria provided, single submitter. Criteria: LabCorp Variant Classification Summary - May 2015. Collection method: clinical testing. Allele origin: germline.
Comment: Variant summary: LHX3 c.944G>C (p.Arg315Pro) results in a non-conservative amino acid change in the encoded protein sequence. Three of five in-silico tools predict a damaging effect of the variant on protein function. The variant allele was found at a frequency of 0.0007 in 144760 control chromosomes in the gnomAD database, including 1 homozygotes. This frequency is not significantly higher than estimated for a pathogenic variant in LHX3 causing Combined Pituitary Hormone Deficiency (0.0007 vs 0.0013), allowing no conclusion about variant significance. c.944G>C has been reported in the literature in individuals affected with Combined Pituitary Hormone Deficiency (Delaney_2021, Jullien_2018, Simm_2017). These report(s) do not provide unequivocal conclusions about association of the variant with Combined Pituitary Hormone Deficiency. At least one publication reports experimental evidence evaluating an impact on protein function. These results showed no damaging effect of this variant (Jullien_2018). The following publications have been ascertained in the context of this evaluation (PMID: 32870266, 30262920, 29261175). ClinVar contains an entry for this variant (Variation ID: 198211). Based on the evidence outlined above, the variant was classified as uncertain significance.

Labcorp Genetics (formerly Invitae), Labcorp
Classification: Uncertain significance. Last evaluated: 2022-10-05. Review status: criteria provided, single submitter. Criteria: Invitae Variant Classification Sherloc (09022015). Collection method: clinical testing. Allele origin: germline.
Comment: This sequence change replaces arginine, which is basic and polar, with proline, which is neutral and non-polar, at codon 315 of the LHX3 protein (p.Arg315Pro). This variant is present in population databases (rs201591640, gnomAD 0.1%), and has an allele count higher than expected for a pathogenic variant. This missense change has been observed in individual(s) with LHX3-related conditions (PMID: 29261175, 30262920). ClinVar contains an entry for this variant (Variation ID: 198211). Algorithms developed to predict the effect of missense changes on protein structure and function are either unavailable or do not agree on the potential impact of this missense change (SIFT: "Not Available"; PolyPhen-2: "Possibly Damaging"; Align-GVGD: "Not Available"). In summary, the available evidence is currently insufficient to determine the role of this variant in disease. Therefore, it has been classified as a Variant of Uncertain Significance.

Ambry Genetics
Classification: Uncertain significance for Inborn genetic diseases. Last evaluated: 2021-12-06. Review status: criteria provided, single submitter. Criteria: Ambry Variant Classification Scheme 2023. Collection method: clinical testing. Allele origin: germline.

GeneDx
Classification: Likely benign. Last evaluated: 2018-11-30. Review status: criteria provided, single submitter. Criteria: GeneDx Variant Classification Process June 2021. Collection method: clinical testing. Allele origin: germline. Affected: yes.
Comment: This variant is associated with the following publications: (PMID: 30262920, 29261175)

Illumina Laboratory Services, Illumina
Classification: Uncertain significance for Non-acquired combined pituitary hormone deficiency with spine abnormalities. Last evaluated: 2018-01-13. Review status: criteria provided, single submitter. Criteria: ICSL Variant Classification Criteria 13 December 2019. Collection method: clinical testing. Allele origin: germline.

Eurofins Ntd Llc (ga)
Classification: Uncertain significance. Last evaluated: 2017-08-01. Review status: criteria provided, single submitter. Criteria: EGL Classification Definitions 2015. Collection method: clinical testing. Allele origin: germline. Observed: 5 variant alleles, 5 heterozygotes.

Clinical Genetics DNA and cytogenetics Diagnostics Lab, Erasmus MC, Erasmus Medical Center
Classification: Uncertain significance. Review status: no assertion criteria provided. Collection method: clinical testing. Allele origin: germline. Affected: yes. Study: VKGL Data-share Consensus. Not counted in ClinVar's aggregate classification.

Clinical Genetics, Academic Medical Center
Classification: Uncertain significance. Review status: no assertion criteria provided. Collection method: clinical testing. Allele origin: germline. Affected: yes. Study: VKGL Data-share Consensus. Not counted in ClinVar's aggregate classification.

Genome Diagnostics Laboratory, Amsterdam University Medical Center
Classification: Uncertain significance. Review status: no assertion criteria provided. Collection method: clinical testing. Allele origin: germline. Affected: yes. Study: VKGL Data-share Consensus. Not counted in ClinVar's aggregate classification.

Literature cited by the submitters: PubMed 32870266 (cited by Women's Health and Genetics/Laboratory Corporation of America, LabCorp); PubMed 30262920 (cited by Women's Health and Genetics/Laboratory Corporation of America, LabCorp and Labcorp Genetics (formerly Invitae), Labcorp); PubMed 29261175 (cited by Women's Health and Genetics/Laboratory Corporation of America, LabCorp and Labcorp Genetics (formerly Invitae), Labcorp).